The following is an entry in ClinVar:

NM_006231.4(POLE):c.2786T>A (p.Ile929Asn)

Gene: POLE (DNA polymerase epsilon, catalytic subunit; minus strand). Cytogenetic location: 12q24.33.
Variant type: single nucleotide variant.
Coding change: c.2786T>A on transcript NM_006231.4 (MANE Select); coding-DNA position 2786, T replaced by A.
Protein change: p.Ile929Asn; replaces isoleucine 929 with asparagine.
Molecular consequence: missense variant.
Genome position (GRCh38, 1-based): chr12:132,661,605, A>T on the plus strand (T>A on the coding strand, the complement: POLE is on the minus strand). VCF-style: chr12-132661605-A-T. GRCh37 (hg19) VCF-style: chr12-133238191-A-T.
Other names: short protein forms I929N.
Identifiers: ClinVar variation 1481251 (VCV001481251.10), dbSNP rs2135948838, ClinGen allele CA387393805.

ClinVar aggregate classification (germline): Uncertain significance. Review status: criteria provided, multiple submitters, no conflicts (2 of 4 stars). 2 submissions from 2 submitters: Uncertain significance (2). Last evaluated 2022-04-29.

Conditions:
Hereditary cancer-predisposing syndrome. Also called: Tumor predisposition; Hereditary Cancer Syndrome; Hereditary neoplastic syndrome; Neoplastic Syndromes, Hereditary. Identifiers: Orphanet 140162, MedGen C0027672, MeSH D009386, MONDO:0015356.

Submissions (2):

Ambry Genetics
Classification: Uncertain significance for Hereditary cancer-predisposing syndrome. Last evaluated: 2022-04-29. Review status: criteria provided, single submitter. Criteria: Ambry Variant Classification Scheme 2023. Collection method: clinical testing. Allele origin: germline.
Comment: The p.I929N variant (also known as c.2786T>A), located in coding exon 24 of the POLE gene, results from a T to A substitution at nucleotide position 2786. The isoleucine at codon 929 is replaced by asparagine, an amino acid with dissimilar properties. This amino acid position is conserved. In addition, the in silico prediction for this alteration is inconclusive. Since supporting evidence is limited at this time, the clinical significance of this alteration remains unclear.

Labcorp Genetics (formerly Invitae), Labcorp
Classification: Uncertain significance. Last evaluated: 2021-04-22. Review status: criteria provided, single submitter. Criteria: Invitae Variant Classification Sherloc (09022015). Collection method: clinical testing. Allele origin: germline.
Comment: In summary, the available evidence is currently insufficient to determine the role of this variant in disease. Therefore, it has been classified as a Variant of Uncertain Significance. Algorithms developed to predict the effect of missense changes on protein structure and function (SIFT, PolyPhen-2, Align-GVGD) all suggest that this variant is likely to be disruptive, but these predictions have not been confirmed by published functional studies and their clinical significance is uncertain. This variant has not been reported in the literature in individuals with POLE-related conditions. This variant is not present in population databases (ExAC no frequency). This sequence change replaces isoleucine with asparagine at codon 929 of the POLE protein (p.Ile929Asn). The isoleucine residue is highly conserved and there is a large physicochemical difference between isoleucine and asparagine.